The following is an entry in ClinVar:

ClinVar aggregate classification (germline): Uncertain significance (1 of 4 stars; one submission).

Conditions:
Combined immunodeficiency due to LRBA deficiency. Also called: Common variable immunodeficiency 8, with autoimmunity. Identifiers: Orphanet 445018, MedGen C3553512, MONDO:0013863, OMIM 614700.

Allele frequency attached by ClinVar (database versions not stated): gnomAD 0.00001; gnomAD exomes 0.00001; ExAC 0.00002; TOPMed 0.00002; ESP Exome Variant Server 0.00008.
gnomAD v4.1: 17 of 1,544,638 alleles (0.0011%); highest among the groups gnomAD compares: Non-Finnish European, 0.0015%; no homozygotes.

Submission:

Labcorp Genetics (formerly Invitae), Labcorp
Classification: Uncertain significance for Combined immunodeficiency due to LRBA deficiency. Last evaluated: 2023-08-24. Review status: criteria provided, single submitter. Criteria: Invitae Variant Classification Sherloc (09022015). Collection method: clinical testing. Allele origin: germline.
Comment: In summary, the available evidence is currently insufficient to determine the role of this variant in disease. Therefore, it has been classified as a Variant of Uncertain Significance. Advanced modeling of protein sequence and biophysical properties (such as structural, functional, and spatial information, amino acid conservation, physicochemical variation, residue mobility, and thermodynamic stability) performed at Invitae indicates that this missense variant is not expected to disrupt LRBA protein function. ClinVar contains an entry for this variant (Variation ID: 1490877). This variant has not been reported in the literature in individuals affected with LRBA-related conditions. This variant is present in population databases (rs140916626, gnomAD 0.001%). This sequence change replaces asparagine, which is neutral and polar, with serine, which is neutral and polar, at codon 1879 of the LRBA protein (p.Asn1879Ser).

NM_001364905.1(LRBA):c.5636A>G (p.Asn1879Ser)

Gene: LRBA (LPS responsive beige-like anchor protein; minus strand). Cytogenetic location: 4q31.3.
Variant type: single nucleotide variant.
Coding change: c.5636A>G on transcript NM_001364905.1 (MANE Select); coding-DNA position 5636, A replaced by G.
Protein change: p.Asn1879Ser; replaces asparagine 1879 with serine.
Molecular consequence: missense variant.
Genome position (GRCh38, 1-based): chr4:150,761,792, T>C on the plus strand (A>G on the coding strand, the complement: LRBA is on the minus strand). VCF-style: chr4-150761792-T-C. GRCh37 (hg19) VCF-style: chr4-151682944-T-C.
Other names: c.5636A>G, p.Asn1879Ser (NM_001199282.3, NM_001367550.1, NM_006726.5); short protein forms N1879S.
Identifiers: ClinVar variation 1490877 (VCV001490877.6), dbSNP rs140916626, ClinGen allele CA3102416.